The following is an entry in ClinVar:

NM_003400.4(XPO1):c.2197C>T (p.Gln733Ter)

Gene: XPO1 (exportin 1; minus strand). Cytogenetic location: 2p15.
Variant type: single nucleotide variant.
Coding change: c.2197C>T on transcript NM_003400.4 (MANE Select); coding-DNA position 2197, C replaced by T.
Protein change: p.Gln733Ter; replaces glutamine 733 with a stop codon.
Molecular consequence: nonsense.
Genome position (GRCh38, 1-based): chr2:61,488,597, G>A on the plus strand (C>T on the coding strand, the complement: XPO1 is on the minus strand). VCF-style: chr2-61488597-G-A. GRCh37 (hg19) VCF-style: chr2-61715732-G-A.
Other names: c.2062C>T, p.Gln688Ter (NM_001410799.1); short protein forms Q688*, Q733*.
Identifiers: ClinVar variation 4083068 (VCV004083068.1).
Genomic context (GRCh38, chr2:61,488,597, plus strand): 5'-AGAGAAGTGGTTTGTTTATACTGCATTGTGTAAGAAATCAGAATCACCTACCATTAGCTT[G>A]GATAGCTGCAGAAATATTTTCACTGAGGCACTTGTATACATTAAGCATATCTAAATAAAT-3'

ClinVar aggregate classification (germline): Uncertain significance (1 of 4 stars; one submission).

Submission:

GeneDx
Classification: Uncertain significance. Last evaluated: 2025-03-13. Review status: criteria provided, single submitter. Criteria: GeneDx Variant Classification Process June 2021. Collection method: clinical testing. Allele origin: germline. Affected: yes.
Comment: Nonsense variant predicted to result in protein truncation or nonsense mediated decay in a gene or region of a gene for which loss of function is not a well-established mechanism of disease; Not observed at significant frequency in large population cohorts (gnomAD); Has not been previously published as pathogenic or benign to our knowledge; Variants in candidate genes are classified as variants of uncertain significance in accordance with ACMG guidelines (PMID: 25741868)